The following is an entry in ClinVar:

ClinVar aggregate classification (germline): Uncertain significance. Review status: criteria provided, multiple submitters, no conflicts (2 of 4 stars). 2 submissions from 2 submitters: Uncertain significance (2). Last evaluated 2025-11-04.

gnomAD v4.1: 17 of 1,613,566 alleles (0.0011%); highest among the groups gnomAD compares: African/African-American, 0.021%; no homozygotes.

Submissions (2):

Labcorp Genetics (formerly Invitae), Labcorp
Classification: Uncertain significance. Last evaluated: 2025-11-04. Review status: criteria provided, single submitter. Criteria: Invitae Variant Classification Sherloc (09022015). Collection method: clinical testing. Allele origin: germline.
Comment: This sequence change replaces valine, which is neutral and non-polar, with leucine, which is neutral and non-polar, at codon 119 of the DUOX2 protein (p.Val119Leu). This variant is present in population databases (no rsID available, gnomAD 0.01%). This variant has not been reported in the literature in individuals affected with DUOX2-related conditions. ClinVar contains an entry for this variant (Variation ID: 1409598). Invitae Evidence Modeling of protein sequence and biophysical properties (such as structural, functional, and spatial information, amino acid conservation, physicochemical variation, residue mobility, and thermodynamic stability) indicates that this missense variant is not expected to disrupt DUOX2 protein function with a negative predictive value of 80%. In summary, the available evidence is currently insufficient to determine the role of this variant in disease. Therefore, it has been classified as a Variant of Uncertain Significance.

Women's Health and Genetics/Laboratory Corporation of America, LabCorp
Classification: Uncertain significance. Last evaluated: 2023-06-23. Review status: criteria provided, single submitter. Criteria: LabCorp Variant Classification Summary - May 2015. Collection method: clinical testing. Allele origin: germline.
Comment: Variant summary: DUOX2 c.355G>C (p.Val119Leu) results in a conservative amino acid change in the encoded protein sequence. Five of five in-silico tools predict a benign effect of the variant on protein function. The variant allele was found at a frequency of 4e-06 in 249590 control chromosomes (gnomAD v2.1, Exomes dataset). The available data on variant occurrences in the general population are insufficient to allow any conclusion about variant significance. To our knowledge, no occurrence of c.355G>C in individuals affected with Thyroid Dyshormonogenesis 6 and no experimental evidence demonstrating its impact on protein function have been reported. One submitter has reported clinical-significance assessments for this variant to ClinVar after 2014 and has classified the variant as uncertain significance. Based on the evidence outlined above, the variant was classified as uncertain significance.

NM_001363711.2(DUOX2):c.355G>C (p.Val119Leu)

Gene: DUOX2 (dual oxidase 2; minus strand). Cytogenetic location: 15q21.1.
Variant type: single nucleotide variant.
Coding change: c.355G>C on transcript NM_001363711.2 (MANE Select); coding-DNA position 355, G replaced by C.
Protein change: p.Val119Leu; replaces valine 119 with leucine.
Molecular consequence: missense variant.
Genome position (GRCh38, 1-based): chr15:45,111,926, C>G on the plus strand (G>C on the coding strand, the complement: DUOX2 is on the minus strand). VCF-style: chr15-45111926-C-G. GRCh37 (hg19) VCF-style: chr15-45404124-C-G.
Other names: c.355G>C, p.Val119Leu (NM_014080.5); c.355G>C (NM_014080.4); short protein forms V119L.
Identifiers: ClinVar variation 1409598 (VCV001409598.7), dbSNP rs138970496, ClinGen allele CA392279481.